The following is an entry in ClinVar:

NM_004387.4(NKX2-5):c.445dup (p.Gln149fs)

Gene: NKX2-5 (NK2 homeobox 5; minus strand). Cytogenetic location: 5q35.1.
Variant type: Duplication.
Coding change: c.445dup on transcript NM_004387.4 (MANE Select); coding-DNA position 445, one base duplicated (C; older notation c.445dupC).
Protein change: p.Gln149fs; shifts the reading frame from glutamine 149.
Molecular consequence: frameshift variant. On other transcripts: 3 prime UTR variant (2).
Genome position (GRCh38, 1-based): chr5:173,233,099, G duplicated on the plus strand (C on the coding strand, the reverse complement: NKX2-5 is on the minus strand). VCF-style (leftmost placement, unchanged base first): chr5-173233098-T-TG. GRCh37 (hg19) VCF-style: chr5-172660101-T-TG.
Other names: c.*398dup (NM_001166175.2); c.*244dup (NM_001166176.2); short protein forms Q149fs.
Identifiers: ClinVar variation 1193241 (VCV001193241.2), dbSNP rs2113901914, ClinGen allele CA2499217777.

ClinVar aggregate classification (germline): Likely pathogenic (1 of 4 stars; one submission).

Submission:

GeneDx
Classification: Likely pathogenic. Last evaluated: 2019-11-13. Review status: criteria provided, single submitter. Criteria: GeneDx Variant Classification Process June 2021. Collection method: clinical testing. Allele origin: germline. Affected: yes.
Comment: Frameshift variant in the C-terminus predicted to result in protein truncation, as the last 176 amino acids are lost and replaced with 3 incorrect amino acids (Stenson et al., 2014); Not observed in large population cohorts (Lek et al., 2016); Has not been previously published as pathogenic or benign to our knowledge